The following is an entry in ClinVar:

ClinVar aggregate classification (germline): Uncertain significance (1 of 4 stars; one submission).

Allele frequency attached by ClinVar (database versions not stated): gnomAD exomes below 0.00001; ExAC 0.00001.

Submission:

GeneDx
Classification: Uncertain significance. Last evaluated: 2022-03-12. Review status: criteria provided, single submitter. Criteria: GeneDx Variant Classification Process June 2021. Collection method: clinical testing. Allele origin: germline. Affected: yes.
Comment: Not observed at significant frequency in large population cohorts (gnomAD); Non-canonical splice site variant demonstrated to result in loss of function in a gene or region of a gene for which loss of function is not a well-established mechanism of disease; Has not been previously published as pathogenic or benign to our knowledge

NM_001303256.3(MORC2):c.987+1_987+3dup

Gene: MORC2 (MORC family CW-type zinc finger 2; minus strand). Cytogenetic location: 22q12.2.
Variant type: Duplication.
Coding change: c.987+1_987+3dup on transcript NM_001303256.3 (MANE Select); the canonical splice donor site of the intron after coding-DNA position 987 through 3 bases into the intron after coding-DNA position 987, 3 bases duplicated (GTA; older notation c.987+1_987+3dupGTA).
Molecular consequence: splice donor variant.
Genome position (GRCh38, 1-based): chr22:30,939,956-30,939,958, TAC duplicated on the plus strand (GTA on the coding strand, the reverse complement: MORC2 is on the minus strand). VCF-style (leftmost placement, unchanged base first): chr22-30939955-T-TTAC. GRCh37 (hg19) VCF-style: chr22-31335942-T-TTAC.
Other names: c.987+1_987+3dup (NM_001303257.2); c.801+1_801+3dup (NM_014941.3).
Identifiers: ClinVar variation 1707278 (VCV001707278.2), dbSNP rs751280193, ClinGen allele CA10187086.